The following is an entry in ClinVar:

ClinVar aggregate classification (germline): Conflicting classifications of pathogenicity. Review status: criteria provided, conflicting classifications (1 of 4 stars). 3 submissions from 3 submitters: Uncertain significance (1); Likely benign (2). Last evaluated 2025-09-18.

Conditions:
Cardiovascular phenotype. Identifiers: MedGen CN230736.
Myofibrillar myopathy 5. Also called: FILAMINOPATHY, AUTOSOMAL DOMINANT; Filaminopathy (type). Identifiers: Orphanet 171445, MedGen C1836050, MONDO:0012289, OMIM 609524.
Distal myopathy with posterior leg and anterior hand involvement. Also called: WILLIAMS DISTAL MYOPATHY. Identifiers: Orphanet 63273, MedGen C3279722, MONDO:0013550, OMIM 614065.
Hypertrophic cardiomyopathy 26. Also called: Cardiomyopathy, familial hypertrophic, 26. Identifiers: Orphanet 75249, MedGen C4310749, MONDO:0014883, OMIM 617047.

Allele frequency attached by ClinVar (database versions not stated): gnomAD exomes 0.00002 and 0.00004; gnomAD 0.00003 and 0.00004; TOPMed 0.00004.
gnomAD v4.1: 38 of 1,612,932 alleles (0.0024%); highest among the groups gnomAD compares: Admixed American, 0.022%; no homozygotes.

Submissions (3):

Labcorp Genetics (formerly Invitae), Labcorp
Classification: Likely benign for Distal myopathy with posterior leg and anterior hand involvement; Myofibrillar myopathy 5; Hypertrophic cardiomyopathy 26. Last evaluated: 2025-09-18. Review status: criteria provided, single submitter. Criteria: Invitae Variant Classification Sherloc (09022015). Collection method: clinical testing. Allele origin: germline.

Women's Health and Genetics/Laboratory Corporation of America, LabCorp
Classification: Likely benign. Last evaluated: 2025-06-26. Review status: criteria provided, single submitter. Criteria: LabCorp Variant Classification Summary - May 2015. Collection method: clinical testing. Allele origin: germline.

Ambry Genetics
Classification: Uncertain significance for Cardiovascular phenotype. Last evaluated: 2024-01-23. Review status: criteria provided, single submitter. Criteria: Ambry Variant Classification Scheme 2023. Collection method: clinical testing. Allele origin: germline.
Comment: The p.V410L variant (also known as c.1228G>C), located in coding exon 8 of the FLNC gene, results from a G to C substitution at nucleotide position 1228. The valine at codon 410 is replaced by leucine, an amino acid with highly similar properties. This amino acid position is well conserved in available vertebrate species. In addition, this alteration is predicted to be tolerated by in silico analysis. Since supporting evidence is limited at this time, the clinical significance of this alteration remains unclear.

NM_001458.5(FLNC):c.1228G>C (p.Val410Leu)

Gene: FLNC (filamin C; plus strand). Cytogenetic location: 7q32.1.
Variant type: single nucleotide variant.
Coding change: c.1228G>C on transcript NM_001458.5 (MANE Select); coding-DNA position 1228, G replaced by C.
Protein change: p.Val410Leu; replaces valine 410 with leucine.
Molecular consequence: missense variant.
Genome position (GRCh38, 1-based): chr7:128,838,620, G>C. VCF-style: chr7-128838620-G-C. GRCh37 (hg19) VCF-style: chr7-128478674-G-C.
Other names: c.1228G>C, p.Val410Leu (NM_001127487.2); short protein forms V410L.
Identifiers: ClinVar variation 664145 (VCV000664145.12), dbSNP rs993836469, ClinGen allele CA166215180.